The following is an entry in ClinVar:

ClinVar aggregate classification (germline): Conflicting classifications of pathogenicity. Review status: criteria provided, conflicting classifications (1 of 4 stars). 2 submissions from 2 submitters: Uncertain significance (1); Likely benign (1). Last evaluated 2026-04-14.

Conditions:
Hereditary cancer-predisposing syndrome. Also called: Tumor predisposition; Hereditary Cancer Syndrome; Neoplastic Syndromes, Hereditary; Hereditary neoplastic syndrome. Identifiers: Orphanet 140162, MedGen C0027672, MeSH D009386, MONDO:0015356.

Submissions (2):

Ambry Genetics
Classification: Likely benign for Hereditary cancer-predisposing syndrome. Last evaluated: 2026-04-14. Review status: criteria provided, single submitter. Criteria: Ambry Variant Classification Scheme 2023. Collection method: clinical testing. Allele origin: germline.

Labcorp Genetics (formerly Invitae), Labcorp
Classification: Uncertain significance. Last evaluated: 2020-04-08. Review status: criteria provided, single submitter. Criteria: Invitae Variant Classification Sherloc (09022015). Collection method: clinical testing. Allele origin: germline.
Comment: This variant has not been reported in the literature in individuals with CTNNA1-related disease. Algorithms developed to predict the effect of missense changes on protein structure and function are either unavailable or do not agree on the potential impact of this missense change (SIFT: "Deleterious"; PolyPhen-2: "Benign"; Align-GVGD: "Class C0"). In summary, the available evidence is currently insufficient to determine the role of this variant in disease. Therefore, it has been classified as a Variant of Uncertain Significance. This sequence change replaces isoleucine with asparagine at codon 175 of the CTNNA1 protein (p.Ile175Asn). The isoleucine residue is highly conserved and there is a large physicochemical difference between isoleucine and asparagine. This variant is not present in population databases (ExAC no frequency).

NM_001903.5(CTNNA1):c.524T>A (p.Ile175Asn)

Gene: CTNNA1 (catenin alpha 1; plus strand). Cytogenetic location: 5q31.2.
Variant type: single nucleotide variant.
Coding change: c.524T>A on transcript NM_001903.5 (MANE Select); coding-DNA position 524, T replaced by A.
Protein change: p.Ile175Asn; replaces isoleucine 175 with asparagine.
Molecular consequence: missense variant.
Genome position (GRCh38, 1-based): chr5:138,812,238, T>A. VCF-style: chr5-138812238-T-A. GRCh37 (hg19) VCF-style: chr5-138147927-T-A.
Other names: c.524T>A (NM_001903.2); c.524T>A, p.Ile175Asn (NM_001290307.3, NM_001323982.2, NM_001323983.1 and 3 more transcripts); c.215T>A, p.Ile72Asn (NM_001290309.3); c.155T>A, p.Ile52Asn (NM_001290310.3); short protein forms I52N, I72N, I175N.
Identifiers: ClinVar variation 659447 (VCV000659447.9), dbSNP rs1581119454, ClinGen allele CA361125268.